The following is an entry in ClinVar:

ClinVar aggregate classification (germline): Likely benign. Review status: criteria provided, multiple submitters, no conflicts (2 of 4 stars). 8 submissions from 8 submitters: Likely benign (8). Last evaluated 2024-12-25.

Conditions:
Diabetes mellitus type 1 (T1D). Also called: Diabetes Mellitus, Juvenile-Onset; Type I diabetes mellitus. Identifiers: MedGen C0011854, MONDO:0005147, OMIM 222100, HP:0100651.
Type 2 diabetes mellitus. Also called: Type II diabetes mellitus. Identifiers: MedGen C0011860, MeSH D003924, MONDO:0005148, OMIM 125853, HP:0005978.
Hepatic adenomas, familial. Also called: HEPATIC ADENOMA, SOMATIC; LIVER CELL ADENOMAS, FAMILIAL. Identifiers: MedGen C1840646, MONDO:0007718, OMIM 142330.
Type 1 diabetes mellitus 20 (T1D20). Also called: Diabetes mellitus, insulin-dependent, 20. Identifiers: MedGen C2675866, MONDO:0012919, OMIM 612520.
Nonpapillary renal cell carcinoma. Identifiers: Orphanet 422526, MedGen CN074294, MONDO:0007763, OMIM 144700.
Maturity-onset diabetes of the young type 3. Also called: MODY type 3; MODY, type III. Identifiers: Orphanet 552, MedGen C1838100, MeSH C563933, MONDO:0010894, OMIM 600496. Disease mechanism: loss of function.
Maturity-onset diabetes of the young (MODY). Also called: Maturity onset diabetes mellitus in young. Identifiers: Orphanet 552, MedGen C0342276, MONDO:0018911, HP:0004904.

Allele frequency attached by ClinVar (database versions not stated): gnomAD 0.00004 and 0.00006; TOPMed 0.00010; ExAC 0.00016; gnomAD exomes 0.00018.

Submissions (8):

Labcorp Genetics (formerly Invitae), Labcorp
Classification: Likely benign. Last evaluated: 2024-12-25. Review status: criteria provided, single submitter. Criteria: Invitae Variant Classification Sherloc (09022015). Collection method: clinical testing. Allele origin: germline.

ARUP Laboratories, Molecular Genetics and Genomics, ARUP Laboratories
Classification: Likely benign. Last evaluated: 2024-11-04. Review status: criteria provided, single submitter. Criteria: ARUP Molecular Germline Variant Investigation Process 2024. Collection method: clinical testing. Allele origin: germline.

Women's Health and Genetics/Laboratory Corporation of America, LabCorp
Classification: Likely benign. Last evaluated: 2023-10-28. Review status: criteria provided, single submitter. Criteria: LabCorp Variant Classification Summary - May 2015. Collection method: clinical testing. Allele origin: germline.
Comment: Variant summary: HNF1A c.1015G>A (p.Gly339Ser) results in a non-conservative amino acid change located in the Hepatocyte nuclear factor 1, beta isoform, C-terminal domain (IPR006897) of the encoded protein sequence. Three of five in-silico tools predict a damaging effect of the variant on protein function. The variant allele was found at a frequency of 0.00018 in 251398 control chromosomes, predominantly in the Latino and South Asian subpopulations at a frequencies of 0.00087 and 0.00046, respectively, in the gnomAD database. The observed variant frequency within Latino control individuals in the gnomAD database is approximately 35-fold of the estimated maximal expected allele frequency for a pathogenic variant in HNF1A causing Maturity Onset Diabetes Of The Young 3 phenotype (2.5e-05), strongly suggesting that the variant is a benign polymorphism found primarily in populations of Latino origin. c.1015G>A has been reported in the literature in unaffected control individuals, individuals affected with Maturity Onset Diabetes Of The Young, or Type 2 or other unspecified diabetes, predominantly of South Asian and Latino descent with frequent benign variant classifications (e.g. Sampathkumar_2022, Juszczak_2019, Lakshmanan_2021, Althari_2020). At least one publication reports experimental evidence evaluating an impact on protein function. These results showed no damaging effect of this variant (e.g. Althari_2020). The following publications have been ascertained in the context of this evaluation (PMID: 32910913, 30455330, 32418360, 34741762). Four submitters have cited clinical-significance assessments for this variant to ClinVar after 2014. All submitters classified the variant as likely benign. Based on the evidence outlined above, the variant was classified as likely benign.

Fulgent Genetics
Classification: Likely benign for Type 2 diabetes mellitus; Hepatic adenomas, familial; Nonpapillary renal cell carcinoma; Diabetes mellitus type 1; Maturity-onset diabetes of the young type 3; Type 1 diabetes mellitus 20. Last evaluated: 2021-11-15. Review status: criteria provided, single submitter. Criteria: ACMG Guidelines, 2015. Collection method: clinical testing. Allele origin: unknown.

Athena Diagnostics
Classification: Likely benign. Last evaluated: 2020-10-05. Review status: criteria provided, single submitter. Criteria: Athena Diagnostics criteria. Collection method: clinical testing. Allele origin: unknown.

Blueprint Genetics
Classification: Likely benign. Last evaluated: 2019-09-12. Review status: criteria provided, single submitter. Criteria: ACMG Guidelines, 2015. Collection method: clinical testing. Allele origin: germline.

Illumina Laboratory Services, Illumina
Classification: Likely benign for Maturity-onset diabetes of the young type 3. Last evaluated: 2018-01-13. Review status: criteria provided, single submitter. Criteria: ICSL Variant Classification Criteria 13 December 2019. Collection method: clinical testing. Allele origin: germline.
Comment: This variant was observed in the ICSL laboratory as part of a predisposition screen in an ostensibly healthy population. It had not been previously curated by ICSL or reported in the Human Gene Mutation Database (HGMD: prior to June 1st, 2018), and was therefore a candidate for classification through an automated scoring system. Utilizing variant allele frequency, disease prevalence and penetrance estimates, and inheritance mode, an automated score was calculated to assess if this variant is too frequent to cause the disease. Based on the score and internal cut-off values, a variant classified as likely benign is not then subjected to further curation. The score for this variant resulted in a classification of likely benign for this disease.

Clinical Genomics, Uppaluri K&H Personalized Medicine Clinic
Classification: Likely benign for Maturity-onset diabetes of the young. Review status: criteria provided, single submitter. Criteria: K & H Uppaluri Personalized Medicine Clinic Variant Classification & Assertion Criteria_Updated V.1. Collection method: research. Allele origin: unknown. Inheritance: Autosomal dominant inheritance.
Comment: Mutations in HNF1A gene can predispose to MODY3. It is associated with both micro and macrovascular complications of diabetes, especially cardiovascular complications. Associated with glucosuria. May respond well to sulfonylureas. However, more evidence is required to confer the association of this particular variant rs766790596 with MODY3.

Literature cited by the submitters: PubMed 32910913 (cited by Women's Health and Genetics/Laboratory Corporation of America, LabCorp); PubMed 30455330 (cited by Women's Health and Genetics/Laboratory Corporation of America, LabCorp and Athena Diagnostics); PubMed 34741762 (cited by Women's Health and Genetics/Laboratory Corporation of America, LabCorp); PubMed 32418360 (cited by Women's Health and Genetics/Laboratory Corporation of America, LabCorp); PubMed 31517624 (cited by Clinical Genomics, Uppaluri K&H Personalized Medicine Clinic); PubMed 32395877 (cited by Clinical Genomics, Uppaluri K&H Personalized Medicine Clinic); PubMed 35328643 (cited by Clinical Genomics, Uppaluri K&H Personalized Medicine Clinic); PubMed 35673428 (cited by Clinical Genomics, Uppaluri K&H Personalized Medicine Clinic).

NM_000545.8(HNF1A):c.1015G>A (p.Gly339Ser)

Gene: HNF1A (HNF1 homeobox A; plus strand). Cytogenetic location: 12q24.31.
Variant type: single nucleotide variant.
Coding change: c.1015G>A on transcript NM_000545.8 (MANE Select); coding-DNA position 1015, G replaced by A.
Protein change: p.Gly339Ser; replaces glycine 339 with serine.
Molecular consequence: missense variant.
Genome position (GRCh38, 1-based): chr12:120,996,321, G>A. VCF-style: chr12-120996321-G-A. GRCh37 (hg19) VCF-style: chr12-121434124-G-A.
Other names: c.1015G>A, p.Gly339Ser (NM_001306179.2); short protein forms G339S.
Identifiers: ClinVar variation 307461 (VCV000307461.23), dbSNP rs766790596, ClinGen allele CA6831908.